The following is an entry in ClinVar:

ClinVar aggregate classification (germline): Uncertain significance (1 of 4 stars; one submission).

gnomAD v4.1: 2 of 150,672 alleles (0.0013%); highest among the groups gnomAD compares: African/African-American, 0.0049%; no homozygotes.

Submission:

Greenwood Genetic Center Diagnostic Laboratories, Greenwood Genetic Center
Classification: Uncertain significance. Last evaluated: 2025-10-20. Review status: criteria provided, single submitter. Criteria: ACMG Guidelines, 2015. Collection method: clinical testing. Allele origin: germline. Affected: yes.
Comment: PM2, BP4

NM_032119.4(ADGRV1):c.14517+3752T>G

Gene: ADGRV1 (adhesion G protein-coupled receptor V1; plus strand). Cytogenetic location: 5q14.3.
Variant type: single nucleotide variant.
Coding change: c.14517+3752T>G on transcript NM_032119.4 (MANE Select); 3752 bases into the intron after coding-DNA position 14517, T replaced by G.
Molecular consequence: intron variant.
Genome position (GRCh38, 1-based): chr5:90,795,098, T>G. VCF-style: chr5-90795098-T-G. GRCh37 (hg19) VCF-style: chr5-90090915-T-G.
Identifiers: ClinVar variation 4845583 (VCV004845583.1).